The following is an entry in ClinVar:

NM_183357.3(ADCY5):c.3783_*3del (p.Ter1262CysextTer?)

Gene: ADCY5 (adenylate cyclase 5; minus strand). Cytogenetic location: 3q21.1.
Variant type: Deletion.
Coding change: c.3783_*3del on transcript NM_183357.3 (MANE Select); coding-DNA position 3783 through 3 bases downstream of the stop codon, 7 bases deleted (TTAGCAG; older notation c.3783_*3delTTAGCAG).
Protein change: p.Ter1262CysextTer?.
Molecular consequence: frameshift variant.
Genome position (GRCh38, 1-based): chr3:123,284,605-123,284,611, CTGCTAA deleted on the plus strand (TTAGCAG on the coding strand, the reverse complement: ADCY5 is on the minus strand); deleting any 7 consecutive bases within chr3:123,284,605-123,284,614 gives the same sequence; the c. name uses the placement nearest the transcript's 3' end. VCF-style (leftmost placement, unchanged base first): chr3-123284604-GCTGCTAA-G. GRCh37 (hg19) VCF-style: chr3-123003451-GCTGCTAA-G.
Other names: c.2733_*3del, p.Ter912CysextTer? (NM_001199642.1); c.3858_*3del, p.Ter1287CysextTer? (NM_001378259.1).
Identifiers: ClinVar variation 3027001 (VCV003027001.22), dbSNP rs2472591161, ClinGen allele CA2740094581.

ClinVar aggregate classification (germline): Uncertain significance (1 of 4 stars; one submission).

Submission:

CeGaT Center for Human Genetics Tuebingen
Classification: Uncertain significance. Last evaluated: 2024-01-01. Review status: criteria provided, single submitter. Criteria: CeGaT Center For Human Genetics Tuebingen Variant Classification Criteria Version 2. Collection method: clinical testing. Allele origin: germline. Affected: yes. Observed: 1 variant allele.
Comment: ADCY5: PM2, PM4